The following is an entry in ClinVar:

ClinVar aggregate classification (germline): Likely benign. Review status: criteria provided, multiple submitters, no conflicts (2 of 4 stars). 2 submissions from 2 submitters: Likely benign (2). Last evaluated 2024-01-02.

Conditions:
Glycogen storage disease, type VII (GSD7). Also called: TARUI DISEASE; MUSCLE PHOSPHOFRUCTOKINASE DEFICIENCY; PFKM DEFICIENCY; GSD VII. Identifiers: Orphanet 371, MedGen C0017926, MONDO:0009295, OMIM 232800.

Allele frequency attached by ClinVar (database versions not stated): gnomAD 0.00001; gnomAD exomes 0.00001; TOPMed 0.00001.
gnomAD v4.1: 16 of 1,613,810 alleles (0.00099%); highest among the groups gnomAD compares: African/African-American, 0.0013%; no homozygotes.

Submissions (2):

Labcorp Genetics (formerly Invitae), Labcorp
Classification: Likely benign for Glycogen storage disease, type VII. Last evaluated: 2024-01-02. Review status: criteria provided, single submitter. Criteria: Invitae Variant Classification Sherloc (09022015). Collection method: clinical testing. Allele origin: germline.

GeneDx
Classification: Likely benign. Last evaluated: 2016-04-20. Review status: criteria provided, single submitter. Criteria: GeneDx Variant Classification (06012015). Collection method: clinical testing. Allele origin: germline. Affected: yes.
Comment: This variant is considered likely benign or benign based on one or more of the following criteria: it is a conservative change, it occurs at a poorly conserved position in the protein, it is predicted to be benign by multiple in silico algorithms, and/or has population frequency not consistent with disease.

NM_000289.6(PFKM):c.103A>C (p.Arg35=)

Gene: PFKM (phosphofructokinase, muscle; plus strand). Cytogenetic location: 12q13.11.
Variant type: single nucleotide variant.
Coding change: c.103A>C on transcript NM_000289.6 (MANE Select); coding-DNA position 103, A replaced by C.
Protein change: p.Arg35=; no amino-acid change (arginine 35 retained).
Molecular consequence: synonymous variant. On other transcripts: non-coding transcript variant (4), intron variant (2).
Genome position (GRCh38, 1-based): chr12:48,130,380, A>C. VCF-style: chr12-48130380-A-C. GRCh37 (hg19) VCF-style: chr12-48524163-A-C.
Other names: c.316A>C, p.Arg106= (NM_001166686.2, NM_001354737.1, NM_001354738.1 and 1 more transcripts); c.103A>C, p.Arg35= (NM_001166687.2, NM_001166688.2, NM_001354742.2 and 4 more transcripts); c.412A>C, p.Arg138= (NM_001354735.1, NM_001354736.1); c.247A>C, p.Arg83= (NM_001354740.1); c.127A>C, p.Arg43= (NM_001354741.2); c.16A>C, p.Arg6= (NM_001354745.2); c.10-936A>C (NM_001354747.2, NM_001354748.2).
Identifiers: ClinVar variation 384781 (VCV000384781.9), dbSNP rs1057522048, ClinGen allele CA16606291.